The following is an entry in ClinVar:

NM_007294.3(BRCA1):c.*2810A>G

Gene: BRCA1 (BRCA1 DNA repair associated; minus strand). Cytogenetic location: 17q21.31.
Variant type: single nucleotide variant.
Coding change: c.*2810A>G on transcript NM_007294.3; 2810 bases downstream of the stop codon, A replaced by G.
Genome position (GRCh38, 1-based): chr17:43,042,868, T>C on the plus strand (A>G on the coding strand, the complement: BRCA1 is on the minus strand). VCF-style: chr17-43042868-T-C. GRCh37 (hg19) VCF-style: chr17-41194885-T-C.
Other names: 8521 A>G.
Identifiers: ClinVar variation 209227 (VCV000209227.3), dbSNP rs7223952, ClinGen allele CA276203.

ClinVar aggregate classification (germline): Benign (3 of 4 stars; one submission).

Conditions:
Breast-ovarian cancer, familial, susceptibility to, 1 (BROVCA1). Also called: OVARIAN CANCER, SUSCEPTIBILITY TO; BRCA1 Hereditary Breast and Ovarian Cancer. Identifiers: Orphanet 145, MedGen C2676676, MONDO:0011450, OMIM 604370. Disease mechanism: loss of function.

Allele frequency attached by ClinVar (database versions not stated): TOPMed 0.44432; 1000 Genomes Project 30x 0.49141; gnomAD 0.44724 and 0.44832; 1000 Genomes Project 0.49141.

Submission:

Evidence-based Network for the Interpretation of Germline Mutant Alleles (ENIGMA)
Classification: Benign for Breast-ovarian cancer, familial 1. Last evaluated: 2015-01-12. Review status: reviewed by expert panel. Criteria: ENIGMA BRCA1/2 Classification Criteria (2015). Collection method: curation. Allele origin: germline.
Comment: Class 1 not pathogenic based on frequency >1% in an outbred sampleset. Frequency 0.33 (Asian), 0.72 (African), 0.37 (European), derived from 1000 genomes (2012-04-30).